The following is an entry in ClinVar:

ClinVar aggregate classification (germline): Conflicting classifications of pathogenicity. Review status: criteria provided, conflicting classifications (1 of 4 stars). 4 submissions from 4 submitters: Uncertain significance (3); Benign (1). Last evaluated 2025-12-23.

Conditions:
Holoprosencephaly 7 (HPE7). Identifiers: Orphanet 2162, MedGen C1835820, MONDO:0012562, OMIM 610828.
Hereditary cancer-predisposing syndrome. Also called: Hereditary Cancer Syndrome; Neoplastic Syndromes, Hereditary; Tumor predisposition; Hereditary neoplastic syndrome. Identifiers: Orphanet 140162, MedGen C0027672, MeSH D009386, MONDO:0015356.
Gorlin syndrome. Also called: Basal cell nevus syndrome; Nevoid Basal Cell Carcinoma Syndrome. Identifiers: Orphanet 377, MedGen C0004779, MONDO:0007187.

Allele frequency attached by ClinVar (database versions not stated): TOPMed below 0.00001; ExAC 0.00001; gnomAD exomes 0.00001.
gnomAD v4.1: 10 of 1,613,950 alleles (0.00062%); highest among the groups gnomAD compares: South Asian, 0.0099%; no homozygotes.

Submissions (4):

Labcorp Genetics (formerly Invitae), Labcorp
Classification: Benign for Gorlin syndrome. Last evaluated: 2025-12-23. Review status: criteria provided, single submitter. Criteria: Invitae Variant Classification Sherloc (09022015). Collection method: clinical testing. Allele origin: germline.

Ambry Genetics
Classification: Uncertain significance for Hereditary cancer-predisposing syndrome. Last evaluated: 2025-03-12. Review status: criteria provided, single submitter. Criteria: Ambry Variant Classification Scheme 2023. Collection method: clinical testing. Allele origin: germline.
Comment: The p.T661A variant (also known as c.1981A>G), located in coding exon 14 of the PTCH1 gene, results from an A to G substitution at nucleotide position 1981. The threonine at codon 661 is replaced by alanine, an amino acid with similar properties. This amino acid position is conserved. In addition, this alteration is predicted to be deleterious by in silico analysis. Since supporting evidence is limited at this time, the clinical significance of this alteration remains unclear.

GeneDx
Classification: Uncertain significance. Last evaluated: 2024-03-14. Review status: criteria provided, single submitter. Criteria: GeneDx Variant Classification Process June 2021. Collection method: clinical testing. Allele origin: germline. Affected: yes.
Comment: In silico analysis supports that this missense variant has a deleterious effect on protein structure/function; Has not been previously published as pathogenic or benign to our knowledge; This variant is associated with the following publications: (PMID: 11331587)

Neuberg Centre For Genomic Medicine, NCGM
Classification: Uncertain significance for Holoprosencephaly 7. Last evaluated: 2023-05-20. Review status: criteria provided, single submitter. Criteria: ACMG Guidelines, 2015. Collection method: clinical testing. Allele origin: germline. Inheritance: Autosomal dominant inheritance. Affected: yes.
Comment: The observed missense c.1981A>G(p.Thr661Ala) variant in PTCH1 gene has not been reported previously as a pathogenic variant nor a benign variant, to our knowledge. The p.Thr661Ala variant has been reported with allele frequency of 0.0008% in gnomAD Exomes. This variant has been reported to the ClinVar database as Uncertain Significance. Multiple lines of computational evidences (Polyphen - Probably damaging, SIFT - Damaging and MutationTaster - Disease causing) predict a damaging effect on protein structure and function for this variant. The reference amino acid is predicted as conserved by GERP++ and PhyloP across 100 vertebrates. The amino acid Thr at position 661 is changed to a Ala changing protein sequence and it might alter its composition and physico-chemical properties. For these reasons, this variant has been classified as a Variant of Uncertain Significance (VUS).

NM_000264.5(PTCH1):c.1981A>G (p.Thr661Ala)

Genes: PTCH1 (patched 1; minus strand), LOC100507346 (uncharacterized LOC100507346; plus strand). Cytogenetic location: 9q22.32.
Variant type: single nucleotide variant.
Coding change: c.1981A>G on transcript NM_000264.5 (MANE Select); coding-DNA position 1981, A replaced by G.
Protein change: p.Thr661Ala; replaces threonine 661 with alanine.
Molecular consequence: missense variant. On other transcripts: non-coding transcript variant (2).
Genome position (GRCh38, 1-based): chr9:95,469,020, T>C on the plus strand (A>G on the coding strand, the complement: PTCH1 is on the minus strand). VCF-style: chr9-95469020-T-C. GRCh37 (hg19) VCF-style: chr9-98231302-T-C.
Other names: c.1981A>G (NM_000264.3); c.1783A>G, p.Thr595Ala (NM_001083602.3); c.1978A>G, p.Thr660Ala (NM_001083603.3); c.1528A>G, p.Thr510Ala (NM_001083604.3, NM_001083605.3, NM_001083606.3 and 1 more transcripts); c.1825A>G, p.Thr609Ala (NM_001354918.2); short protein forms T595A, T660A, T661A, T510A, T609A.
Identifiers: ClinVar variation 1346062 (VCV001346062.12), dbSNP rs753850577, ClinGen allele CA5138473.
Genomic context (GRCh38, chr9:95,469,020, plus strand): 5'-GCTCAGCGGTGGTGTAGTACACGTGCGTGTGGGGGTCGTACTCCGTGCGGAGCTGGACAG[T>C]GGACTGCATGGTAATCTGCGTTTCATGGGCAAAGCTGTGGCTGCTGTAGGGAGGTGGGGG-3'
Protein context (NP_000255.2, residues 651-671): AHETQITMQS[Thr661Ala]VQLRTEYDPH